The following is an entry in ClinVar:

ClinVar aggregate classification (germline): Uncertain significance (1 of 4 stars; one submission).

Conditions:
Colorectal cancer, hereditary nonpolyposis, type 7. Identifiers: Orphanet 144, MedGen C1858380, MONDO:0013725, OMIM 614385.

Submission:

Labcorp Genetics (formerly Invitae), Labcorp
Classification: Uncertain significance for Colorectal cancer, hereditary nonpolyposis, type 7. Last evaluated: 2019-04-07. Review status: criteria provided, single submitter. Criteria: Invitae Variant Classification Sherloc (09022015). Collection method: clinical testing. Allele origin: germline.
Comment: This sequence change replaces glycine with arginine at codon 762 of the MLH3 protein (p.Gly762Arg). The glycine residue is highly conserved and there is a moderate physicochemical difference between glycine and arginine. This variant is not present in population databases (ExAC no frequency). This variant has not been reported in the literature in individuals with MLH3-related conditions. Algorithms developed to predict the effect of missense changes on protein structure and function are either unavailable or do not agree on the potential impact of this missense change (SIFT: "Deleterious"; PolyPhen-2: "Possibly Damaging"; Align-GVGD: "Class C0"). In summary, the available evidence is currently insufficient to determine the role of this variant in disease. Therefore, it has been classified as a Variant of Uncertain Significance.

NM_001040108.2(MLH3):c.2284G>A (p.Gly762Arg)

Gene: MLH3 (mutL homolog 3; minus strand). Cytogenetic location: 14q24.3.
Variant type: single nucleotide variant.
Coding change: c.2284G>A on transcript NM_001040108.2 (MANE Select); coding-DNA position 2284, G replaced by A.
Protein change: p.Gly762Arg; replaces glycine 762 with arginine.
Molecular consequence: missense variant.
Genome position (GRCh38, 1-based): chr14:75,047,372, C>T on the plus strand (G>A on the coding strand, the complement: MLH3 is on the minus strand). VCF-style: chr14-75047372-C-T. GRCh37 (hg19) VCF-style: chr14-75514075-C-T.
Other names: c.2284G>A, p.Gly762Arg (NM_014381.3); short protein forms G762R.
Identifiers: ClinVar variation 849030 (VCV000849030.9), dbSNP rs1394752072, ClinGen allele CA390441037.